The following is an entry in ClinVar:

NM_004360.5(CDH1):c.164-16G>C

Gene: CDH1 (cadherin 1; plus strand). Cytogenetic location: 16q22.1.
Variant type: single nucleotide variant.
Coding change: c.164-16G>C on transcript NM_004360.5 (MANE Select); 16 bases into the intron before coding-DNA position 164, G replaced by C.
Molecular consequence: intron variant.
Genome position (GRCh38, 1-based): chr16:68,801,654, G>C. VCF-style: chr16-68801654-G-C. GRCh37 (hg19) VCF-style: chr16-68835557-G-C.
Other names: c.-1452-16G>C (NM_001317185.2); c.-1656-16G>C (NM_001317186.2); c.164-16G>C (NM_001317184.2).
Identifiers: ClinVar variation 3379101 (VCV003379101.1).

ClinVar aggregate classification (germline): Likely benign (1 of 4 stars; one submission).

Conditions:
Hereditary diffuse gastric adenocarcinoma (HDGC). Also called: DIFFUSE GASTRIC AND LOBULAR BREAST CANCER SYNDROME. Identifiers: Orphanet 26106, MedGen C1708349, MONDO:0007648, OMIM 137215.

Submission:

Myriad Genetics, Inc.
Classification: Likely benign for Hereditary diffuse gastric adenocarcinoma. Last evaluated: 2024-09-12. Review status: criteria provided, single submitter. Criteria: Myriad Autosomal Dominant, Autosomal Recessive and X-Linked Classification Criteria (2023). Collection method: clinical testing. Allele origin: unknown.
Comment: This variant is considered likely benign. This variant is intronic and is not expected to impact mRNA splicing.